The following is an entry in ClinVar:

ClinVar aggregate classification (germline): Uncertain significance (1 of 4 stars; one submission).

Allele frequency attached by ClinVar (database versions not stated): gnomAD exomes below 0.00001.
gnomAD v4.1: 1 of 1,578,208 alleles (0.000063%); highest among the groups gnomAD compares: East Asian, 0.0022%; no homozygotes.

Submission:

Ambry Genetics
Classification: Uncertain significance. Last evaluated: 2024-03-06. Review status: criteria provided, single submitter. Criteria: Ambry Variant Classification Scheme 2023. Collection method: clinical testing. Allele origin: germline.
Comment: The p.I996T variant (also known as c.2987T>C), located in coding exon 16 of the POLQ gene, results from a T to C substitution at nucleotide position 2987. The isoleucine at codon 996 is replaced by threonine, an amino acid with similar properties. This amino acid position is conserved. In addition, this alteration is predicted to be tolerated by in silico analysis. Since supporting evidence is limited at this time, the clinical significance of this alteration remains unclear.

NM_199420.4(POLQ):c.2987T>C (p.Ile996Thr)

Gene: POLQ (DNA polymerase theta; minus strand). Cytogenetic location: 3q13.33.
Variant type: single nucleotide variant.
Coding change: c.2987T>C on transcript NM_199420.4 (MANE Select); coding-DNA position 2987, T replaced by C.
Protein change: p.Ile996Thr; replaces isoleucine 996 with threonine.
Molecular consequence: missense variant.
Genome position (GRCh38, 1-based): chr3:121,489,944, A>G on the plus strand (T>C on the coding strand, the complement: POLQ is on the minus strand). VCF-style: chr3-121489944-A-G. GRCh37 (hg19) VCF-style: chr3-121208791-A-G.
Other names: short protein forms I996T.
Identifiers: ClinVar variation 1798460 (VCV001798460.2), dbSNP rs1560098026, ClinGen allele CA354103616.